The following is an entry in ClinVar:

NM_000218.3(KCNQ1):c.2T>C (p.Met1Thr)

Gene: KCNQ1 (potassium voltage-gated channel subfamily Q member 1; plus strand). Cytogenetic location: 11p15.5.
Variant type: single nucleotide variant.
Coding change: c.2T>C on transcript NM_000218.3 (MANE Select); coding-DNA position 2, T replaced by C.
Protein change: p.Met1Thr; changes the start codon (methionine 1).
Molecular consequence: missense variant, initiator codon variant.
Genome position (GRCh38, 1-based): chr11:2,445,100, T>C. VCF-style: chr11-2445100-T-C. GRCh37 (hg19) VCF-style: chr11-2466330-T-C.
Other names: c.2T>C (LRG_287t1); short protein forms M1T.
Identifiers: ClinVar variation 53033 (VCV000053033.2), dbSNP rs199473485, ClinGen allele CA006772.

ClinVar aggregate classification (germline): not provided (0 of 4 stars; one submission).

Conditions:
Familial long QT syndrome (RWS). Also called: Congenital long QT syndrome; Romano-Ward syndrome; VENTRICULAR FIBRILLATION WITH PROLONGED QT INTERVAL. Identifiers: Orphanet 768, MedGen C1141890, MONDO:0019171.

Allele frequency attached by ClinVar (database versions not stated): gnomAD exomes below 0.00001.

Submission:

Cardiovascular Biomedical Research Unit, Royal Brompton & Harefield NHS Foundation Trust
No classification provided. Condition: Familial long QT syndrome. Review status: no classification provided. Collection method: literature only. Allele origin: germline.
Comment: This variant has been reported in the following publications (PMID:21380488).

Literature cited by the submitters: PubMed 21380488; PubMed 22581653.